The following is an entry in ClinVar:

NM_001323289.2(CDKL5):c.934A>T (p.Lys312Ter)

Gene: CDKL5 (cyclin dependent kinase like 5; plus strand). Cytogenetic location: Xp22.13.
Variant type: single nucleotide variant.
Coding change: c.934A>T on transcript NM_001323289.2 (MANE Select); coding-DNA position 934, A replaced by T.
Protein change: p.Lys312Ter; replaces lysine 312 with a stop codon.
Molecular consequence: nonsense.
Genome position (GRCh38, 1-based): chrX:18,598,570, A>T. VCF-style: chrX-18598570-A-T. GRCh37 (hg19) VCF-style: chrX-18616690-A-T.
Other names: c.934A>T, p.Lys312Ter (NM_001037343.2, NM_003159.3); short protein forms K312*.
Identifiers: ClinVar variation 2035673 (VCV002035673.4), dbSNP rs1569218064, ClinGen allele CA412356265.

ClinVar aggregate classification (germline): Pathogenic (1 of 4 stars; one submission).

Conditions:
Developmental and epileptic encephalopathy, 2 (DEE2). Also called: INFANTILE SPASM SYNDROME, X-LINKED 2; CDKL5 deficiency disorder. Identifiers: Orphanet 1934, Orphanet 3451, Orphanet 505652, MedGen C4750718, MONDO:0010396, OMIM 300672.
Angelman syndrome-like. Identifiers: MedGen CN128785.

Submission:

Labcorp Genetics (formerly Invitae), Labcorp
Classification: Pathogenic for Developmental and epileptic encephalopathy, 2; Angelman syndrome-like. Last evaluated: 2022-10-15. Review status: criteria provided, single submitter. Criteria: Invitae Variant Classification Sherloc (09022015). Collection method: clinical testing. Allele origin: germline.
Comment: This variant is not present in population databases (gnomAD no frequency). This sequence change creates a premature translational stop signal (p.Lys312*) in the CDKL5 gene. It is expected to result in an absent or disrupted protein product. Loss-of-function variants in CDKL5 are known to be pathogenic (PMID: 22872100). This variant has not been reported in the literature in individuals affected with CDKL5-related conditions. For these reasons, this variant has been classified as Pathogenic.

Literature cited by the submitters: PubMed 22872100.